The following is an entry in ClinVar:

ClinVar aggregate classification (germline): Pathogenic. Review status: criteria provided, multiple submitters, no conflicts (2 of 4 stars). 4 submissions from 4 submitters: Pathogenic (3). 1 of the submissions does not count toward it. Last evaluated 2025-08-18.

Conditions:
Hereditary cancer-predisposing syndrome. Also called: Tumor predisposition; Hereditary Cancer Syndrome; Neoplastic Syndromes, Hereditary; Hereditary neoplastic syndrome. Identifiers: Orphanet 140162, MedGen C0027672, MeSH D009386, MONDO:0015356.
Cardiovascular phenotype. Identifiers: MedGen CN230736.
Neurofibromatosis, type 1 (NF1). Also called: Peripheral type neurofibromatosis; VON RECKLINGHAUSEN DISEASE; NEUROFIBROMATOSIS, TYPE I, SOMATIC; Neurofibromatosis, type I. Identifiers: Orphanet 636, MedGen C0027831, MONDO:0018975, OMIM 162200. Disease mechanism: loss of function.

Allele frequency attached by ClinVar (database versions not stated): TOPMed below 0.00001.

Submissions (4):

Labcorp Genetics (formerly Invitae), Labcorp
Classification: Pathogenic for Neurofibromatosis, type 1. Last evaluated: 2025-08-18. Review status: criteria provided, single submitter. Criteria: Invitae Variant Classification Sherloc (09022015). Collection method: clinical testing. Allele origin: germline.
Comment: This sequence change affects codon 160 of the NF1 mRNA. It is a 'silent' change, meaning that it does not change the encoded amino acid sequence of the NF1 protein. RNA analysis indicates that this variant induces altered splicing and may result in an absent or altered protein product. This variant is not present in population databases (gnomAD no frequency). This variant has been observed in individual(s) with Neurofibromatosis type I (NF1) (PMID: 17311297, 21838856; internal data). Invitae Evidence Modeling of clinical and family history, age, sex, and reported ancestry of multiple individuals with this NF1 variant has been performed. This variant is expected to be pathogenic with a positive predictive value of at least 99%. This is a validated machine learning model that incorporates the clinical features of 1,785,918 individuals referred to our laboratory for NF1 testing. ClinVar contains an entry for this variant (Variation ID: 68353). An algorithm developed to predict the effect of missense changes on protein structure and function (PolyPhen-2) suggests that this variant is likely to be tolerated. Variants that disrupt the consensus splice site are a relatively common cause of aberrant splicing (PMID: 17576681, 9536098). Studies have shown that this variant results in skipping of exon 4, and produces a non-functional protein and/or introduces a premature termination codon (PMID: 17311297). For these reasons, this variant has been classified as Pathogenic.

Medical Genetics, University of Parma
Classification: Pathogenic for Neurofibromatosis, type 1. Last evaluated: 2022-08-17. Review status: criteria provided, single submitter. Criteria: ACMG Guidelines, 2015. Collection method: clinical testing. Allele origin: germline. Inheritance: Autosomal dominant inheritance. Affected: yes.

Ambry Genetics
Classification: Pathogenic for Cardiovascular phenotype; Hereditary cancer-predisposing syndrome. Last evaluated: 2018-09-18. Review status: criteria provided, single submitter. Criteria: Ambry Variant Classification Scheme 2023. Collection method: clinical testing. Allele origin: germline.
Comment: The c.479G>C pathogenic mutation (also known as p.R160T), located in coding exon 4 of the NF1 gene, results from a G to C substitution at nucleotide position 479. The amino acid change results in arginine to threonine at codon 160, an amino acid with similar properties. However, this change occurs in the last base pair of coding exon 4, which makes it likely to have some effect on normal mRNA splicing. This variant has been identified in patients meeting NIH diagnostic criteria for Neurofibromatosis type 1 (NF1) (Wimmer K et al. Hum. Mutat. 2007 Jun;28:599-612; Stella A et al. Genes (Basel) 2018 Apr;9(4)216). Additionally, protein truncation testing (PTT) showed this variant results in skipping of exon 4 (Wimmer K et al. Hum. Mutat. 2007 Jun;28:599-612). Based on the available evidence, this variant is classified as a pathogenic mutation.

UniProtKB/Swiss-Prot
No classification provided. Review status: no classification provided. Collection method: not provided. Allele origin: not provided. Not counted in ClinVar's aggregate classification.

Literature cited by the submitters: PubMed 17311297 (cited by Labcorp Genetics (formerly Invitae), Labcorp); PubMed 21838856 (cited by Labcorp Genetics (formerly Invitae), Labcorp); PubMed 17576681 (cited by Labcorp Genetics (formerly Invitae), Labcorp); PubMed 9536098 (cited by Labcorp Genetics (formerly Invitae), Labcorp).

NM_001042492.3(NF1):c.479G>C (p.Arg160Thr)

Gene: NF1 (neurofibromin 1; plus strand). Cytogenetic location: 17q11.2.
Variant type: single nucleotide variant.
Coding change: c.479G>C on transcript NM_001042492.3 (MANE Select); coding-DNA position 479, G replaced by C.
Protein change: p.Arg160Thr; replaces arginine 160 with threonine.
Molecular consequence: missense variant.
Genome position (GRCh38, 1-based): chr17:31,163,376, G>C. VCF-style: chr17-31163376-G-C. GRCh37 (hg19) VCF-style: chr17-29490394-G-C.
Other names: c.479G>C, p.Arg160Thr (NM_001128147.3, NM_000267.4); short protein forms R160T.
Identifiers: ClinVar variation 68353 (VCV000068353.11), dbSNP rs199474752, ClinGen allele CA219595.